The following is an entry in ClinVar:

ClinVar aggregate classification (germline): Benign/Likely benign. Review status: criteria provided, multiple submitters, no conflicts (2 of 4 stars). 3 submissions from 3 submitters: Benign (1); Likely benign (2). Last evaluated 2025-12-09.

Conditions:
Epidermolysis bullosa simplex 3, localized or generalized intermediate, with BP230 deficiency (EBS3). Also called: Epidermolysis bullosa simplex, autosomal recessive 2; Epidermolysis bullosa simplex due to BP230 deficiency. Identifiers: Orphanet 412181, MedGen C3809470, MONDO:0014180, OMIM 615425.
Hereditary sensory and autonomic neuropathy type 6. Also called: HSAN VI; Neuropathy, hereditary sensory and autonomic, type VI. Identifiers: Orphanet 314381, MedGen C3539003, MONDO:0013839, OMIM 614653.

Allele frequency attached by ClinVar (database versions not stated): gnomAD exomes 0.00092; ExAC 0.00109; gnomAD 0.00277; 1000 Genomes Project 0.00319; 1000 Genomes Project 30x 0.00375; TOPMed 0.00389; ESP Exome Variant Server 0.00438.
gnomAD v4.1: 1,195 of 1,614,114 alleles (0.074%); highest among the groups gnomAD compares: African/African-American, 1.2%; 6 homozygotes.

Submissions (3):

Labcorp Genetics (formerly Invitae), Labcorp
Classification: Benign for Epidermolysis bullosa simplex 3, localized or generalized intermediate, with BP230 deficiency; Hereditary sensory and autonomic neuropathy type 6. Last evaluated: 2025-12-09. Review status: criteria provided, single submitter. Criteria: Invitae Variant Classification Sherloc (09022015). Collection method: clinical testing. Allele origin: germline.

Blueprint Genetics
Classification: Likely benign. Last evaluated: 2024-07-14. Review status: criteria provided, single submitter. Criteria: ACMG Guidelines, 2015. Collection method: clinical testing. Allele origin: germline.

GeneDx
Classification: Likely benign. Last evaluated: 2021-10-01. Review status: criteria provided, single submitter. Criteria: GeneDx Variant Classification Process June 2021. Collection method: clinical testing. Allele origin: germline. Affected: yes.
Comment: See Variant Classification Assertion Criteria.

NM_001723.7(DST):c.6006C>T (p.Asn2002=)

Gene: DST (dystonin; minus strand). Cytogenetic location: 6p12.1.
Variant type: single nucleotide variant.
Coding change: c.6006C>T on transcript NM_001723.7 (MANE Plus Clinical); coding-DNA position 6006, C replaced by T.
Protein change: p.Asn2002=; no amino-acid change (asparagine 2002 retained).
Molecular consequence: synonymous variant. On other transcripts: intron variant (10).
Genome position (GRCh38, 1-based): chr6:56,618,028, G>A on the plus strand (C>T on the coding strand, the complement: DST is on the minus strand). VCF-style: chr6-56618028-G-A. GRCh37 (hg19) VCF-style: chr6-56482826-G-A.
Other names: c.4831-3544C>T (NM_001144769.5); c.4930-3544C>T (NM_001374722.1, NM_001374736.1); c.4957-3544C>T (NM_001374734.1); c.4417-3544C>T (NM_001144770.2); c.4297-3544C>T (NM_001374730.1, NM_001386100.1, NM_183380.4 and 1 more transcripts); c.3319-3544C>T (NM_015548.5).
Identifiers: ClinVar variation 474534 (VCV000474534.14), dbSNP rs138576576, ClinGen allele CA3870265.
Genomic context (GRCh38, chr6:56,618,028, plus strand): 5'-TCAGAACACAGAGTATACCTCTAAGGGTGTCAAAACCTTCACCAGTTCCATTTCACATGC[G>A]TTATCTTGATACCTAACAGGTGGTCTAGAATTGTTCAGGGCTTGGTCTCTTATCTTCTCA-3'
Protein context (NP_001714.1, residues 1992-2012): NSRPPVRYQD[Asn2002=]ACEMELVKVL